The following is an entry in ClinVar:

ClinVar aggregate classification (germline): Uncertain significance (1 of 4 stars; one submission).

Conditions:
Short-rib thoracic dysplasia 14 with polydactyly (SRTD14). Identifiers: Orphanet 397715, MedGen C4225286, MONDO:0014688, OMIM 616546.
Joubert syndrome 23 (JBTS23). Identifiers: Orphanet 475, MedGen C4084822, MONDO:0014664, OMIM 616490.

gnomAD v4.1: 1 of 1,603,462 alleles (0.000062%); no homozygotes.

Submission:

Labcorp Genetics (formerly Invitae), Labcorp
Classification: Uncertain significance for Joubert syndrome 23; Short-rib thoracic dysplasia 14 with polydactyly. Last evaluated: 2022-10-24. Review status: criteria provided, single submitter. Criteria: Invitae Variant Classification Sherloc (09022015). Collection method: clinical testing. Allele origin: germline.
Comment: This sequence change replaces aspartic acid, which is acidic and polar, with glycine, which is neutral and non-polar, at codon 566 of the KIAA0586 protein (p.Asp566Gly). This variant is not present in population databases (gnomAD no frequency). This variant has not been reported in the literature in individuals affected with KIAA0586-related conditions. Advanced modeling of protein sequence and biophysical properties (such as structural, functional, and spatial information, amino acid conservation, physicochemical variation, residue mobility, and thermodynamic stability) performed at Invitae indicates that this missense variant is expected to disrupt KIAA0586 protein function. In summary, the available evidence is currently insufficient to determine the role of this variant in disease. Therefore, it has been classified as a Variant of Uncertain Significance.

NM_001329943.3(KIAA0586):c.1538A>G (p.Asp513Gly)

Gene: KIAA0586 (KIAA0586; plus strand). Cytogenetic location: 14q23.1.
Variant type: single nucleotide variant.
Coding change: c.1538A>G on transcript NM_001329943.3 (MANE Select); coding-DNA position 1538, A replaced by G.
Protein change: p.Asp513Gly; replaces aspartic acid 513 with glycine.
Molecular consequence: missense variant.
Genome position (GRCh38, 1-based): chr14:58,457,934, A>G. VCF-style: chr14-58457934-A-G. GRCh37 (hg19) VCF-style: chr14-58924652-A-G.
Other names: c.1697A>G, p.Asp566Gly (NM_001244189.2); c.1493A>G, p.Asp498Gly (NM_001244190.2); c.1283A>G, p.Asp428Gly (NM_001244191.2, NM_001329945.2, NM_001364700.1 and 1 more transcripts); c.1406A>G, p.Asp469Gly (NM_001244192.2); c.1118A>G, p.Asp373Gly (NM_001244193.2); c.1538A>G, p.Asp513Gly (NM_001329944.2, NM_001329946.2, NM_001329947.2 and 1 more transcripts); short protein forms D373G, D428G, D469G, D498G, D513G, D566G.
Identifiers: ClinVar variation 1715005 (VCV001715005.6), dbSNP rs796052129, ClinGen allele CA389868784.